The following is an entry in ClinVar:

ClinVar aggregate classification (germline): Pathogenic. Review status: criteria provided, multiple submitters, no conflicts (2 of 4 stars). 6 submissions from 6 submitters: Pathogenic (6). Last evaluated 2026-04-29.

Conditions:
Hereditary breast ovarian cancer syndrome. Also called: Hereditary breast and ovarian cancer syndrome; Hereditary breast and ovarian cancer syndrome (HBOC); Hereditary breast and ovarian cancer; Breast and ovarian cancer; BRCA1- and BRCA2-Associated Hereditary Breast and Ovarian Cancer; Hereditary breast and/or ovarian cancer syndrome. Identifiers: Orphanet 145, MedGen C0677776, MeSH D061325, MONDO:0003582. Disease mechanism: loss of function.
Breast-ovarian cancer, familial, susceptibility to, 2 (BROVCA2). Also called: BRCA2 Hereditary Breast and Ovarian Cancer. Identifiers: Orphanet 145, MedGen C2675520, MONDO:0012933, OMIM 612555. Disease mechanism: loss of function.

Submissions (6):

Women's Health and Genetics/Laboratory Corporation of America, LabCorp
Classification: Pathogenic for Hereditary breast ovarian cancer syndrome. Last evaluated: 2026-04-29. Review status: criteria provided, single submitter. Criteria: LabCorp Variant Classification Summary - May 2015. Collection method: clinical testing. Allele origin: germline.
Comment: Variant summary: BRCA2 c.8909G>A (p.Trp2970X) results in a premature termination codon, predicted to cause a truncation of the encoded protein or absence of the protein due to nonsense mediated decay, which are commonly known mechanisms for disease. The variant was absent in 249494 control chromosomes. c.8909G>A has been observed in individual(s) affected with Hereditary Breast And Ovarian Cancer Syndrome (example: Kechin_2023). The following publication has been ascertained in the context of this evaluation (PMID: 36367610). ClinVar contains an entry for this variant (Variation ID: 462501). Based on the evidence outlined above, the variant was classified as pathogenic.

Labcorp Genetics (formerly Invitae), Labcorp
Classification: Pathogenic for Hereditary breast ovarian cancer syndrome. Last evaluated: 2025-06-16. Review status: criteria provided, single submitter. Criteria: Invitae Variant Classification Sherloc (09022015). Collection method: clinical testing. Allele origin: germline.
Comment: This sequence change creates a premature translational stop signal (p.Trp2970*) in the BRCA2 gene. It is expected to result in an absent or disrupted protein product. Loss-of-function variants in BRCA2 are known to be pathogenic (PMID: 20104584). This variant is not present in population databases (gnomAD no frequency). This variant has not been reported in the literature in individuals affected with BRCA2-related conditions. ClinVar contains an entry for this variant (Variation ID: 462501). For these reasons, this variant has been classified as Pathogenic.

CeGaT Center for Human Genetics Tuebingen
Classification: Pathogenic. Last evaluated: 2025-02-01. Review status: criteria provided, single submitter. Criteria: CeGaT Center For Human Genetics Tuebingen Variant Classification Criteria Version 2. Collection method: clinical testing. Allele origin: germline. Affected: yes. Observed: 1 variant allele.
Comment: BRCA2: PVS1, PM2, PS4:Moderate

MGZ Medical Genetics Center
Classification: Pathogenic for Breast-ovarian cancer, familial, susceptibility to, 2. Last evaluated: 2021-11-22. Review status: criteria provided, single submitter. Criteria: ACMG Guidelines, 2015. Collection method: clinical testing. Allele origin: germline. Affected: yes. Observed: 1 variant allele.
Comment: ACMG criteria applied: PVS1, PS4_MOD, PM2_SUP

Quest Diagnostics Nichols Institute San Juan Capistrano
Classification: Pathogenic. Last evaluated: 2019-08-08. Review status: criteria provided, single submitter. Criteria: Quest Diagnostics criteria. Collection method: clinical testing. Allele origin: germline.
Comment: The variant creates a premature nonsense codon, and is therefore predicted to result in the loss of a functional protein. Found in at least one symptomatic patient, and not found in general population data.

Juno Genomics, Hangzhou Juno Genomics, Inc
Classification: Pathogenic for Breast-ovarian cancer, familial, susceptibility to, 2. Review status: criteria provided, single submitter. Criteria: ACMG Guidelines, 2015. Collection method: clinical testing. Allele origin: germline.
Comment: Absent from controls (or at extremely low frequency if recessive) in Genome Aggregation Database.;Null variant in a gene where loss of function (LOF) is a known mechanism of disease.;Novel missense change at an amino acid residue where a different missense change determined to be pathogenic has been seen before.

Literature cited by the submitters: PubMed 36367610 (cited by Women's Health and Genetics/Laboratory Corporation of America, LabCorp); PubMed 20104584 (cited by Labcorp Genetics (formerly Invitae), Labcorp); PubMed 26180923 (cited by Quest Diagnostics Nichols Institute San Juan Capistrano).

NM_000059.4(BRCA2):c.8909G>A (p.Trp2970Ter)

Gene: BRCA2 (BRCA2 DNA repair associated; plus strand). Cytogenetic location: 13q13.1.
Variant type: single nucleotide variant.
Coding change: c.8909G>A on transcript NM_000059.4 (MANE Select); coding-DNA position 8909, G replaced by A.
Protein change: p.Trp2970Ter; replaces tryptophan 2970 with a stop codon.
Molecular consequence: nonsense.
Genome position (GRCh38, 1-based): chr13:32,379,471, G>A. VCF-style: chr13-32379471-G-A. GRCh37 (hg19) VCF-style: chr13-32953608-G-A.
Other names: short protein forms W2970*.
Identifiers: ClinVar variation 462501 (VCV000462501.28), dbSNP rs1555288397, ClinGen allele CA387757254.